The following is an entry in ClinVar:

ClinVar aggregate classification (germline): Benign. Review status: criteria provided, multiple submitters, no conflicts (2 of 4 stars). 5 submissions from 4 submitters: Benign (5). Last evaluated 2026-01-24.

Conditions:
Autosomal recessive ataxia, Beauce type. Also called: SYNE1 Deficiency; SYNE1-Related Autosomal Recessive Cerebellar Ataxia; Spinocerebellar ataxia, autosomal recessive 8; ATAXIA, RECESSIVE, OF BEAUCE. Identifiers: Orphanet 88644, MedGen C1853116, MONDO:0012549, OMIM 610743.
Emery-Dreifuss muscular dystrophy 4, autosomal dominant (EDMD4). Also called: EMERY-DREIFUSS MUSCULAR DYSTROPHY 4 WITH VARIABLE FEATURES. Identifiers: Orphanet 261, MedGen C2751807, MONDO:0013071, OMIM 612998.

Allele frequency attached by ClinVar (database versions not stated): gnomAD exomes 0.00045 and 0.00124; ExAC 0.00165; gnomAD 0.00531 and 0.00566; TOPMed 0.00616; ESP Exome Variant Server 0.00623; 1000 Genomes Project 30x 0.00640; 1000 Genomes Project 0.00699.
gnomAD v4.1: 1,513 of 1,614,094 alleles (0.094%); highest among the groups gnomAD compares: African/African-American, 1.8%; 17 homozygotes.

Submissions (5):

Labcorp Genetics (formerly Invitae), Labcorp
Classification: Benign for Emery-Dreifuss muscular dystrophy 4, autosomal dominant; Autosomal recessive ataxia, Beauce type. Last evaluated: 2026-01-24. Review status: criteria provided, single submitter. Criteria: Invitae Variant Classification Sherloc (09022015). Collection method: clinical testing. Allele origin: germline.

Athena Diagnostics
Classification: Benign. Last evaluated: 2024-02-01. Review status: criteria provided, single submitter. Criteria: Athena Diagnostics Criteria. Collection method: clinical testing. Allele origin: unknown.

GeneDx
Classification: Benign. Last evaluated: 2018-03-13. Review status: criteria provided, single submitter. Criteria: GeneDx Variant Classification (06012015). Collection method: clinical testing. Allele origin: germline. Affected: yes.
Comment: This variant is considered likely benign or benign based on one or more of the following criteria: it is a conservative change, it occurs at a poorly conserved position in the protein, it is predicted to be benign by multiple in silico algorithms, and/or has population frequency not consistent with disease.

Illumina Laboratory Services, Illumina
Classification: Benign for Emery-Dreifuss muscular dystrophy 4, autosomal dominant. Last evaluated: 2018-01-12. Review status: criteria provided, single submitter. Criteria: ICSL Variant Classification Criteria 13 December 2019. Collection method: clinical testing. Allele origin: germline.
Comment: This variant was observed in the ICSL laboratory as part of a predisposition screen in an ostensibly healthy population. It had not been previously curated by ICSL or reported in the Human Gene Mutation Database (HGMD: prior to June 1st, 2018), and was therefore a candidate for classification through an automated scoring system. Utilizing variant allele frequency, disease prevalence and penetrance estimates, and inheritance mode, an automated score was calculated to assess if this variant is too frequent to cause the disease. Based on the score and internal cut-off values, a variant classified as benign is not then subjected to further curation. The score for this variant resulted in a classification of benign for this disease.

Illumina Laboratory Services, Illumina
Classification: Benign for Autosomal recessive ataxia, Beauce type. Last evaluated: 2018-01-12. Review status: criteria provided, single submitter. Criteria: ICSL Variant Classification Criteria 13 December 2019. Collection method: clinical testing. Allele origin: germline.
Comment: the same text as in the submission from Illumina Laboratory Services, Illumina above.

NM_182961.4(SYNE1):c.22281C>A (p.Ile7427=)

Gene: SYNE1 (spectrin repeat containing nuclear envelope protein 1; minus strand). Cytogenetic location: 6q25.2.
Variant type: single nucleotide variant.
Coding change: c.22281C>A on transcript NM_182961.4 (MANE Select); coding-DNA position 22281, C replaced by A.
Protein change: p.Ile7427=; no amino-acid change (isoleucine 7427 retained).
Molecular consequence: synonymous variant.
Genome position (GRCh38, 1-based): chr6:152,214,971, G>T on the plus strand (C>A on the coding strand, the complement: SYNE1 is on the minus strand). VCF-style: chr6-152214971-G-T. GRCh37 (hg19) VCF-style: chr6-152536106-G-T.
Other names: c.22068C>A, p.Ile7356= (NM_033071.5).
Identifiers: ClinVar variation 355825 (VCV000355825.17), dbSNP rs139362680, ClinGen allele CA4053918.